The following is an entry in ClinVar:

NM_032808.7(LINGO1):c.274G>A (p.Ala92Thr)

Gene: LINGO1 (leucine rich repeat and Ig domain containing 1; minus strand). Cytogenetic location: 15q24.3.
Variant type: single nucleotide variant.
Coding change: c.274G>A on transcript NM_032808.7 (MANE Select); coding-DNA position 274, G replaced by A.
Protein change: p.Ala92Thr; replaces alanine 92 with threonine.
Molecular consequence: missense variant.
Genome position (GRCh38, 1-based): chr15:77,615,633, C>T on the plus strand (G>A on the coding strand, the complement: LINGO1 is on the minus strand). VCF-style: chr15-77615633-C-T. GRCh37 (hg19) VCF-style: chr15-77907975-C-T.
Other names: c.256G>A, p.Ala86Thr (NM_001301186.2, NM_001301187.2, NM_001301189.2 and 8 more transcripts); short protein forms A86T, A92T.
Identifiers: ClinVar variation 3051993 (VCV003051993.2), dbSNP rs370164787, ClinGen allele CA7678000.

ClinVar aggregate classification (germline): Likely benign (0 of 4 stars; one submission).

Conditions:
LINGO1-related disorder. Also called: LINGO1-related condition.

Allele frequency attached by ClinVar (database versions not stated): gnomAD 0.00004; ESP Exome Variant Server 0.00008; TOPMed 0.00017; ExAC 0.00062.
gnomAD v4.1: 137 of 1,611,942 alleles (0.0085%); highest among the groups gnomAD compares: Admixed American, 0.21%; 1 homozygote.

Submission:

PreventionGenetics, part of Exact Sciences
Classification: Likely benign for LINGO1-related condition. Last evaluated: 2022-04-28. Review status: no assertion criteria provided. Collection method: clinical testing. Allele origin: germline.
Comment: This variant is classified as likely benign based on ACMG/AMP sequence variant interpretation guidelines (Richards et al. 2015 PMID: 25741868, with internal and published modifications).